The following is an entry in ClinVar:

NM_004655.4(AXIN2):c.2527G>T (p.Asp843Tyr)

Gene: AXIN2 (axin 2; minus strand). Cytogenetic location: 17q24.1.
Variant type: single nucleotide variant.
Coding change: c.2527G>T on transcript NM_004655.4 (MANE Select); coding-DNA position 2527, G replaced by T.
Protein change: p.Asp843Tyr; replaces aspartic acid 843 with tyrosine.
Molecular consequence: missense variant.
Genome position (GRCh38, 1-based): chr17:65,529,981, C>A on the plus strand (G>T on the coding strand, the complement: AXIN2 is on the minus strand). VCF-style: chr17-65529981-C-A. GRCh37 (hg19) VCF-style: chr17-63526099-C-A.
Other names: c.2332G>T, p.Asp778Tyr (NM_001363813.1); short protein forms D778Y, D843Y.
Identifiers: ClinVar variation 1792609 (VCV001792609.4), dbSNP rs1249731868, ClinGen allele CA400674718.

ClinVar aggregate classification (germline): Uncertain significance. Review status: criteria provided, multiple submitters, no conflicts (2 of 4 stars). 2 submissions from 2 submitters: Uncertain significance (2). Last evaluated 2024-11-18.

Conditions:
Hereditary cancer-predisposing syndrome. Also called: Hereditary Cancer Syndrome; Hereditary neoplastic syndrome; Tumor predisposition; Neoplastic Syndromes, Hereditary. Identifiers: Orphanet 140162, MedGen C0027672, MeSH D009386, MONDO:0015356.
Oligodontia-cancer predisposition syndrome. Also called: TOOTH AGENESIS-COLORECTAL CANCER SYNDROME. Identifiers: Orphanet 300576, MedGen C1837750, MONDO:0012075, OMIM 608615. Disease mechanism: loss of function.

gnomAD v4.1: 7 of 1,614,192 alleles (0.00043%); highest among the groups gnomAD compares: Non-Finnish European, 0.00059%; no homozygotes.

Submissions (2):

Labcorp Genetics (formerly Invitae), Labcorp
Classification: Uncertain significance for Oligodontia-cancer predisposition syndrome. Last evaluated: 2024-11-18. Review status: criteria provided, single submitter. Criteria: Invitae Variant Classification Sherloc (09022015). Collection method: clinical testing. Allele origin: germline.
Comment: This sequence change replaces aspartic acid, which is acidic and polar, with tyrosine, which is neutral and polar, at codon 843 of the AXIN2 protein (p.Asp843Tyr). This variant is not present in population databases (gnomAD no frequency). This variant has not been reported in the literature in individuals affected with AXIN2-related conditions. ClinVar contains an entry for this variant (Variation ID: 1792609). Invitae Evidence Modeling of protein sequence and biophysical properties (such as structural, functional, and spatial information, amino acid conservation, physicochemical variation, residue mobility, and thermodynamic stability) indicates that this missense variant is expected to disrupt AXIN2 protein function with a positive predictive value of 80%. In summary, the available evidence is currently insufficient to determine the role of this variant in disease. Therefore, it has been classified as a Variant of Uncertain Significance.

Ambry Genetics
Classification: Uncertain significance for Hereditary cancer-predisposing syndrome. Last evaluated: 2024-02-08. Review status: criteria provided, single submitter. Criteria: Ambry Variant Classification Scheme 2023. Collection method: clinical testing. Allele origin: germline.
Comment: The p.D843Y variant (also known as c.2527G>T), located in coding exon 10 of the AXIN2 gene, results from a G to T substitution at nucleotide position 2527. The aspartic acid at codon 843 is replaced by tyrosine, an amino acid with highly dissimilar properties. This amino acid position is highly conserved in available vertebrate species. In addition, the in silico prediction for this alteration is inconclusive. Based on the available evidence, the clinical significance of this alteration remains unclear.